The following is an entry in ClinVar:

ClinVar aggregate classification (germline): Pathogenic (1 of 4 stars; one submission).

Submission:

Labcorp Genetics (formerly Invitae), Labcorp
Classification: Pathogenic. Last evaluated: 2023-11-17. Review status: criteria provided, single submitter. Criteria: Invitae Variant Classification Sherloc (09022015). Collection method: clinical testing. Allele origin: germline.
Comment: This sequence change creates a premature translational stop signal (p.Gln235Asnfs*26) in the TSHR gene. It is expected to result in an absent or disrupted protein product. Loss-of-function variants in TSHR are known to be pathogenic (PMID: 8954020). This variant is not present in population databases (gnomAD no frequency). This variant has not been reported in the literature in individuals affected with TSHR-related conditions. For these reasons, this variant has been classified as Pathogenic.

Literature cited by the submitters: PubMed 8954020.

NM_000369.5(TSHR):c.699_700del (p.Gln235fs)

Genes: TSHR (thyroid stimulating hormone receptor; plus strand), TSHR-AS1 (TSHR antisense RNA 1; minus strand). Cytogenetic location: 14q31.1.
Variant type: Microsatellite.
Coding change: c.699_700del on transcript NM_000369.5 (MANE Select); coding-DNA positions 699 to 700, 2 bases deleted (GT; older notation c.699_700delGT).
Protein change: p.Gln235fs; shifts the reading frame from glutamine 235.
Molecular consequence: frameshift variant.
Genome position (GRCh38, 1-based): chr14:81,139,685-81,139,686, GT deleted; deleting any 2 consecutive bases within chr14:81,139,683-81,139,686 gives the same sequence; the c. name uses the placement nearest the transcript's 3' end. VCF-style (leftmost placement, unchanged base first): chr14-81139682-CGT-C. GRCh37 (hg19) VCF-style: chr14-81606026-CGT-C.
Other names: short protein forms Q235fs.
Identifiers: ClinVar variation 2696500 (VCV002696500.3), dbSNP rs2503914651, ClinGen allele CA2697554072.